The following is an entry in ClinVar:

NM_019032.6(ADAMTSL4):c.1458del (p.Val487fs)

Genes: ADAMTSL4 (ADAMTS like 4; plus strand), ADAMTSL4-AS2 (ADAMTSL4 antisense RNA 2; minus strand). Cytogenetic location: 1q21.2.
Variant type: Deletion.
Coding change: c.1458del on transcript NM_019032.6 (MANE Select); coding-DNA position 1458, one base deleted (T; older notation c.1458delT).
Protein change: p.Val487fs; shifts the reading frame from valine 487.
Molecular consequence: frameshift variant.
Genome position (GRCh38, 1-based): chr1:150,556,248, T deleted; the last of 2 consecutive T bases (chr1:150,556,247-150,556,248); deleting either gives the same sequence. VCF-style (leftmost placement, unchanged base first): chr1-150556246-CT-C. GRCh37 (hg19) VCF-style: chr1-150528722-CT-C.
Other names: c.1527del, p.Val510fs (NM_001288607.2, NM_001288608.2); c.1458del, p.Val487fs (NM_001378596.1, NM_025008.5); short protein forms V487fs, V510fs.
Identifiers: ClinVar variation 3341963 (VCV003341963.16).
Genomic context (GRCh38, chr1:150,556,246, plus strand): 5'-GGCTCTGGCAGGCGTCCTGATGGCTGTGGAGTCTGTGGGGGTGATGATTCTACCTGTCGC[CT>C]TGTTTCGGGGAACCTCACTGACCGAGGGGGCCCCCTGGGCTATCAGAAGATCTTGTGGAT-3'

ClinVar aggregate classification (germline): Pathogenic (1 of 4 stars; one submission).

Submission:

CeGaT Center for Human Genetics Tuebingen
Classification: Pathogenic. Last evaluated: 2024-08-01. Review status: criteria provided, single submitter. Criteria: CeGaT Center For Human Genetics Tuebingen Variant Classification Criteria Version 2. Collection method: clinical testing. Allele origin: germline. Affected: yes. Observed: 1 variant allele.
Comment: ADAMTSL4: PVS1, PM2, PM3:Supporting